The following is an entry in ClinVar:

ClinVar aggregate classification (germline): Uncertain significance. Review status: criteria provided, single submitter (1 of 4 stars). 2 submissions from 2 submitters: Uncertain significance (1). 1 of the submissions does not count toward it. Last evaluated 2021-08-31.

Conditions:
Hereditary spastic paraplegia 49 (HSAN9). Also called: NEUROPATHY, HEREDITARY SENSORY AND AUTONOMIC, TYPE IX, WITH DEVELOPMENTAL DELAY; Spastic paraplegia 49, autosomal recessive; TECPR2-Related Hereditary Sensory and Autonomic Neuropathy with Intellectual Disability. Identifiers: Orphanet 320385, MedGen C5190860, MONDO:0014016, OMIM 615031.

gnomAD v4.1: 6 of 1,609,024 alleles (0.00037%); highest among the groups gnomAD compares: Admixed American, 0.0017%; no homozygotes.

Submissions (2):

Labcorp Genetics (formerly Invitae), Labcorp
Classification: Uncertain significance for Hereditary spastic paraplegia 49. Last evaluated: 2021-08-31. Review status: criteria provided, single submitter. Criteria: Invitae Variant Classification Sherloc (09022015). Collection method: clinical testing. Allele origin: germline.
Comment: This sequence change replaces proline with alanine at codon 1344 of the TECPR2 protein (p.Pro1344Ala). The proline residue is highly conserved and there is a small physicochemical difference between proline and alanine. This variant is not present in population databases (ExAC no frequency). This variant has not been reported in the literature in individuals affected with TECPR2-related conditions. Algorithms developed to predict the effect of missense changes on protein structure and function are either unavailable or do not agree on the potential impact of this missense change (SIFT: "Deleterious"; PolyPhen-2: "Possibly Damaging"; Align-GVGD: "Class C0"). In summary, the available evidence is currently insufficient to determine the role of this variant in disease. Therefore, it has been classified as a Variant of Uncertain Significance.

Natera, Inc.
Classification: Uncertain significance for Autosomal recessive spastic paraplegia type 49. Last evaluated: 2019-11-11. Review status: no assertion criteria provided. Collection method: clinical testing. Allele origin: germline. Not counted in ClinVar's aggregate classification.

NM_014844.5(TECPR2):c.4030C>G (p.Pro1344Ala)

Gene: TECPR2 (tectonin beta-propeller repeat containing 2; plus strand). Cytogenetic location: 14q32.31.
Variant type: single nucleotide variant.
Coding change: c.4030C>G on transcript NM_014844.5 (MANE Select); coding-DNA position 4030, C replaced by G.
Protein change: p.Pro1344Ala; replaces proline 1344 with alanine.
Molecular consequence: missense variant.
Genome position (GRCh38, 1-based): chr14:102,497,668, C>G. VCF-style: chr14-102497668-C-G. GRCh37 (hg19) VCF-style: chr14-102964005-C-G.
Other names: short protein forms P1344A.
Identifiers: ClinVar variation 540300 (VCV000540300.9), dbSNP rs763133422, ClinGen allele CA391058749.